The following is an entry in ClinVar:

NM_005343.4(HRAS):c.290+1G>C

Genes: HRAS (HRas proto-oncogene, GTPase; minus strand), LRRC56 (leucine rich repeat containing 56; plus strand). Cytogenetic location: 11p15.5.
Variant type: single nucleotide variant.
Coding change: c.290+1G>C on transcript NM_005343.4 (MANE Select); the canonical splice donor site of the intron after coding-DNA position 290, G replaced by C.
Molecular consequence: splice donor variant.
Genome position (GRCh38, 1-based): chr11:533,765, C>G on the plus strand (G>C on the coding strand, the complement: HRAS is on the minus strand). VCF-style: chr11-533765-C-G. GRCh37 (hg19) VCF-style: chr11-533765-C-G.
Other names: c.290+1G>C (NM_001130442.3, NM_176795.5); c.-30+1G>C (NM_001318054.2).
Identifiers: ClinVar variation 929126 (VCV000929126.1), dbSNP rs1851270546, ClinGen allele CA378924251.

ClinVar aggregate classification (germline): Uncertain significance (1 of 4 stars; one submission).

Allele frequency attached by ClinVar (database versions not stated): gnomAD exomes below 0.00001.
gnomAD v4.1: 1 of 1,613,308 alleles (0.000062%); highest among the groups gnomAD compares: African/African-American, 0.0013%; no homozygotes.

Submission:

Women's Health and Genetics/Laboratory Corporation of America, LabCorp
Classification: Uncertain significance. Last evaluated: 2019-02-11. Review status: criteria provided, single submitter. Criteria: LabCorp Variant Classification Summary - May 2015. Collection method: clinical testing. Allele origin: germline.
Comment: Variant summary: HRAS c.290+1G>C is located in a canonical splice-site and is predicted to affect mRNA splicing resulting in a significantly altered protein due to either exon skipping, shortening, or inclusion of intronic material. Several computational tools predict a significant impact on normal splicing: five predict the variant abolishes a 5' splicing donor site. However, these predictions have yet to be confirmed by functional studies. The variant was absent in 246060 control chromosomes (gnomAD). The available data on variant occurrences in the general population are insufficient to allow any conclusion about variant significance. To our knowledge, no occurrence of c.290+1G>C in individuals affected with Noonan Syndrome and Related Conditions and no experimental evidence demonstrating its impact on protein function have been reported. No clinical diagnostic laboratories have submitted clinical-significance assessments for this variant to ClinVar after 2014. Gain of function mutations in HRAS have been reported in individuals with Costello syndrome. The implications of presumed loss of function variants of the type being classified is currently unknown. Based on the evidence outlined above, the variant was classified as uncertain significance.